The following is an entry in ClinVar:

ClinVar aggregate classification (germline): Uncertain significance (1 of 4 stars; one submission).

Conditions:
Microcephaly, normal intelligence and immunodeficiency (NBS). Also called: Nijmegen breakage syndrome; Microcephaly with normal intelligence immunodeficiency and lymphoreticular malignancies; Nonsyndromal microcephaly autosomal recessive with normal intelligence; Seemanova syndrome 2; BERLIN BREAKAGE SYNDROME; IMMUNODEFICIENCY, MICROCEPHALY, AND CHROMOSOMAL INSTABILITY. Identifiers: Orphanet 647, MedGen C0398791, MONDO:0009623, OMIM 251260.

Submission:

Labcorp Genetics (formerly Invitae), Labcorp
Classification: Uncertain significance for Microcephaly, normal intelligence and immunodeficiency. Last evaluated: 2023-11-02. Review status: criteria provided, single submitter. Criteria: Invitae Variant Classification Sherloc (09022015). Collection method: clinical testing. Allele origin: germline.
Comment: This sequence change replaces isoleucine, which is neutral and non-polar, with serine, which is neutral and polar, at codon 171 of the NBN protein (p.Ile171Ser). This variant is not present in population databases (gnomAD no frequency). This variant has not been reported in the literature in individuals affected with NBN-related conditions. An algorithm developed to predict the effect of missense changes on protein structure and function (PolyPhen-2) suggests that this variant is likely to be disruptive. In summary, the available evidence is currently insufficient to determine the role of this variant in disease. Therefore, it has been classified as a Variant of Uncertain Significance.

NM_002485.5(NBN):c.512T>G (p.Ile171Ser)

Gene: NBN (nibrin; minus strand). Cytogenetic location: 8q21.3.
Variant type: single nucleotide variant.
Coding change: c.512T>G on transcript NM_002485.5 (MANE Select); coding-DNA position 512, T replaced by G.
Protein change: p.Ile171Ser; replaces isoleucine 171 with serine.
Molecular consequence: missense variant.
Genome position (GRCh38, 1-based): chr8:89,978,292, A>C on the plus strand (T>G on the coding strand, the complement: NBN is on the minus strand). VCF-style: chr8-89978292-A-C. GRCh37 (hg19) VCF-style: chr8-90990520-A-C.
Other names: c.266T>G, p.Ile89Ser (NM_001024688.3); short protein forms I89S, I171S.
Identifiers: ClinVar variation 2692781 (VCV002692781.3), dbSNP rs2488344183, ClinGen allele CA371660387.